The following is an entry in ClinVar:

NM_000046.5(ARSB):c.900T>A (p.Asp300Glu)

Gene: ARSB (arylsulfatase B; minus strand). Cytogenetic location: 5q14.1.
Variant type: single nucleotide variant.
Coding change: c.900T>A on transcript NM_000046.5 (MANE Select); coding-DNA position 900, T replaced by A.
Protein change: p.Asp300Glu; replaces aspartic acid 300 with glutamic acid.
Molecular consequence: missense variant.
Genome position (GRCh38, 1-based): chr5:78,885,826, A>T on the plus strand (T>A on the coding strand, the complement: ARSB is on the minus strand). VCF-style: chr5-78885826-A-T. GRCh37 (hg19) VCF-style: chr5-78181649-A-T.
Other names: c.900T>A, p.Asp300Glu (NM_198709.3); c.900T>A (NM_000046.3); short protein forms D300E.
Identifiers: ClinVar variation 559819 (VCV000559819.3), dbSNP rs1280123243, ClinGen allele CA360343568.

ClinVar aggregate classification (germline): Conflicting classifications of pathogenicity. Review status: criteria provided, conflicting classifications (1 of 4 stars). 3 submissions from 3 submitters: Likely pathogenic (2); Uncertain significance (1). Last evaluated 2025-02-11.

Conditions:
Mucopolysaccharidosis type 6 (MPS6). Also called: N-ACETYLGALACTOSAMINE-4-SULFATASE DEFICIENCY; MPS VI; MPS 6; Maroteaux Lamy syndrome; ARSB DEFICIENCY; ARYLSULFATASE B DEFICIENCY. Identifiers: Orphanet 583, MedGen C0026709, MONDO:0009661, OMIM 253200.

Allele frequency attached by ClinVar (database versions not stated): gnomAD exomes below 0.00001; TOPMed below 0.00001; gnomAD 0.00001.
gnomAD v4.1: 7 of 1,614,084 alleles (0.00043%); highest among the groups gnomAD compares: Non-Finnish European, 0.00051%; no homozygotes.

Submissions (3):

GeneDx
Classification: Likely pathogenic. Last evaluated: 2025-02-11. Review status: criteria provided, single submitter. Criteria: GeneDx Variant Classification Process June 2021. Collection method: clinical testing. Allele origin: germline. Affected: yes.
Comment: In silico analysis supports that this missense variant has a deleterious effect on protein structure/function; Not observed at significant frequency in large population cohorts (gnomAD); This variant is associated with the following publications: (PMID: 17458871, 19790257)

Baylor Genetics
Classification: Likely pathogenic for Mucopolysaccharidosis type 6. Last evaluated: 2023-06-28. Review status: criteria provided, single submitter. Criteria: ACMG Guidelines, 2015. Collection method: clinical testing. Allele origin: unknown.

Laboratory of Diagnosis and Therapy of Lysosomal Disorders, University of Padova
Classification: Uncertain significance for Mucopolysaccharidosis type 6. Last evaluated: 2018-01-01. Review status: criteria provided, single submitter. Criteria: ACMG Guidelines, 2015. Collection method: curation. Allele origin: germline. Affected: yes.
Comment: Located in a well-established functional domain (PM1); Very low frequency in ExAC (PM2); Multiple lines of computational evidence support a deleterious effect on the gene product (PP3)

Literature cited by the submitters: PubMed 17458871 (cited by Laboratory of Diagnosis and Therapy of Lysosomal Disorders, University of Padova); PubMed 30118150 (cited by Laboratory of Diagnosis and Therapy of Lysosomal Disorders, University of Padova).